The following is an entry in ClinVar:

ClinVar aggregate classification (germline): Uncertain significance (1 of 4 stars; one submission).

Submission:

GeneDx
Classification: Uncertain significance. Last evaluated: 2024-11-18. Review status: criteria provided, single submitter. Criteria: GeneDx Variant Classification Process June 2021. Collection method: clinical testing. Allele origin: germline. Affected: yes.
Comment: Not observed at significant frequency in large population cohorts (gnomAD); In silico analysis indicates that this missense variant does not alter protein structure/function; Has not been previously published as pathogenic or benign to our knowledge

NM_001020658.2(PUM1):c.193G>C (p.Val65Leu)

Gene: PUM1 (pumilio RNA binding family member 1; minus strand). Cytogenetic location: 1p35.2.
Variant type: single nucleotide variant.
Coding change: c.193G>C on transcript NM_001020658.2 (MANE Select); coding-DNA position 193, G replaced by C.
Protein change: p.Val65Leu; replaces valine 65 with leucine.
Molecular consequence: missense variant.
Genome position (GRCh38, 1-based): chr1:31,059,374, C>G on the plus strand (G>C on the coding strand, the complement: PUM1 is on the minus strand). VCF-style: chr1-31059374-C-G. GRCh37 (hg19) VCF-style: chr1-31532221-C-G.
Other names: c.193G>C, p.Val65Leu (NM_014676.3); short protein forms V65L.
Identifiers: ClinVar variation 3900370 (VCV003900370.1).